The following is an entry in ClinVar:

NM_001371279.1(REEP1):c.784-16C>T

Gene: REEP1 (receptor accessory protein 1; minus strand). Cytogenetic location: 2p11.2.
Variant type: single nucleotide variant.
Coding change: c.784-16C>T on transcript NM_001371279.1 (MANE Select); 16 bases into the intron before coding-DNA position 784, C replaced by T.
Molecular consequence: intron variant.
Genome position (GRCh38, 1-based): chr2:86,217,126, G>A on the plus strand (C>T on the coding strand, the complement: REEP1 is on the minus strand). VCF-style: chr2-86217126-G-A. GRCh37 (hg19) VCF-style: chr2-86444249-G-A.
Other names: c.617-16C>T (NM_001164730.2); c.515-16C>T (NM_001164731.2); c.361-16C>T (NM_001164732.2); c.418-16C>T (NM_001371280.1); c.596-16C>T (NM_022912.3).
Identifiers: ClinVar variation 378476 (VCV000378476.8), dbSNP rs182467924, ClinGen allele CA1748668.

ClinVar aggregate classification (germline): Benign. Review status: criteria provided, multiple submitters, no conflicts (2 of 4 stars). 2 submissions from 2 submitters: Benign (2). Last evaluated 2025-09-25.

Conditions:
Hereditary spastic paraplegia 31. Also called: SPASTIC PARAPLEGIA 31, AUTOSOMAL DOMINANT. Identifiers: Orphanet 101011, MedGen C1853247, MONDO:0012453, OMIM 610250.

Allele frequency attached by ClinVar (database versions not stated): gnomAD exomes 0.00011 and 0.00025; ExAC 0.00029; 1000 Genomes Project 0.00040; gnomAD 0.00099 and 0.00108; TOPMed 0.00105; ESP Exome Variant Server 0.00108.
gnomAD v4.1: 319 of 1,608,640 alleles (0.02%); highest among the groups gnomAD compares: African/African-American, 0.38%; 2 homozygotes.

Submissions (2):

Labcorp Genetics (formerly Invitae), Labcorp
Classification: Benign for Hereditary spastic paraplegia 31. Last evaluated: 2025-09-25. Review status: criteria provided, single submitter. Criteria: Invitae Variant Classification Sherloc (09022015). Collection method: clinical testing. Allele origin: germline.

GeneDx
Classification: Benign. Last evaluated: 2015-09-17. Review status: criteria provided, single submitter. Criteria: GeneDx Variant Classification (06012015). Collection method: clinical testing. Allele origin: germline. Affected: yes.
Comment: This variant is considered likely benign or benign based on one or more of the following criteria: it is a conservative change, it occurs at a poorly conserved position in the protein, it is predicted to be benign by multiple in silico algorithms, and/or has population frequency not consistent with disease.